The following is an entry in ClinVar:

ClinVar aggregate classification (germline): Uncertain significance (1 of 4 stars; one submission).

Submission:

Dasa
Classification: Uncertain significance. Last evaluated: 2026-02-04. Review status: criteria provided, single submitter. Criteria: DASA Assertion Criteria. Collection method: clinical testing. Allele origin: germline.
Comment: NM_004366.6(CLCN2):c.2670_2673del (p.Ser891Thrfs*18) is a frameshift variant in CLCN2 predicted to alter the reading frame and introduce a premature termination codon and is predicted to result in an absent or altered protein product. This variant is rare in population databases. The currently available literature and clinical evidence are not sufficient to establish a definitive association between this variant and the reported condition. Therefore, this variant is classified as a variant of uncertain significance.

NM_004366.6(CLCN2):c.2670_2673del (p.Ser891fs)

Gene: CLCN2 (chloride voltage-gated channel 2; minus strand). Cytogenetic location: 3q27.1.
Variant type: Deletion.
Coding change: c.2670_2673del on transcript NM_004366.6 (MANE Select); coding-DNA positions 2670 to 2673, 4 bases deleted (TTCC; older notation c.2670_2673delTTCC).
Protein change: p.Ser891fs; shifts the reading frame from serine 891.
Molecular consequence: frameshift variant.
Genome position (GRCh38, 1-based): chr3:184,346,630-184,346,633, GGAA deleted on the plus strand (TTCC on the coding strand, the reverse complement: CLCN2 is on the minus strand); deleting any 4 consecutive bases within chr3:184,346,630-184,346,635 gives the same sequence; the c. name uses the placement nearest the transcript's 3' end. VCF-style (leftmost placement, unchanged base first): chr3-184346629-CGGAA-C. GRCh37 (hg19) VCF-style: chr3-184064417-CGGAA-C.
Other names: c.2619_2622del, p.Ser874fs (NM_001171087.3); c.2538_2541del, p.Ser847fs (NM_001171088.3); c.2583_2586del, p.Ser862fs (NM_001171089.3); short protein forms S847fs, S862fs, S874fs, S891fs.
Identifiers: ClinVar variation 4886339 (VCV004886339.2).